The following is an entry in ClinVar:

NM_001127198.5(TMC6):c.186T>G (p.Ser62Arg)

Gene: TMC6 (transmembrane channel like 6; minus strand). Cytogenetic location: 17q25.3.
Variant type: single nucleotide variant.
Coding change: c.186T>G on transcript NM_001127198.5 (MANE Select); coding-DNA position 186, T replaced by G.
Protein change: p.Ser62Arg; replaces serine 62 with arginine.
Molecular consequence: missense variant.
Genome position (GRCh38, 1-based): chr17:78,126,362, A>C on the plus strand (T>G on the coding strand, the complement: TMC6 is on the minus strand). VCF-style: chr17-78126362-A-C. GRCh37 (hg19) VCF-style: chr17-76122443-A-C.
Other names: c.186T>G, p.Ser62Arg (NM_001321185.1, NM_001374593.1, NM_001374594.1 and 4 more transcripts); short protein forms S62R.
Identifiers: ClinVar variation 1009831 (VCV001009831.6), dbSNP rs1224440778, ClinGen allele CA401236229.
Genomic context (GRCh38, chr17:78,126,362, plus strand): 5'-CAGGATGCGGAGTGTGGCCGTGCTCTGGGTGCCCTCGGGCCGCCAGAGTGTCTGCTGGCT[A>C]CTTCCTACAAAGCAAGAAAGACTCACCAGGGGTCCTGGAGATGCCATTGGCCACAGTATC-3'
Protein context (NP_001120670.1, residues 52-72): LQQREREVTG[Ser62Arg]SQQTLWRPEG

ClinVar aggregate classification (germline): Uncertain significance (1 of 4 stars; one submission).

Conditions:
Epidermodysplasia verruciformis. Identifiers: Orphanet 302, MedGen C0014522, MONDO:0009176.

Allele frequency attached by ClinVar (database versions not stated): gnomAD exomes below 0.00001 and 0.00001; gnomAD 0.00001; TOPMed 0.00002.
gnomAD v4.1: 6 of 1,591,226 alleles (0.00038%); highest among the groups gnomAD compares: Non-Finnish European, 0.00051%; no homozygotes.

Submission:

Labcorp Genetics (formerly Invitae), Labcorp
Classification: Uncertain significance for Epidermodysplasia verruciformis. Last evaluated: 2020-06-14. Review status: criteria provided, single submitter. Criteria: Invitae Variant Classification Sherloc (09022015). Collection method: clinical testing. Allele origin: germline.
Comment: Algorithms developed to predict the effect of missense changes on protein structure and function output the following: SIFT: "Not Available"; PolyPhen-2: "Benign"; Align-GVGD: "Not Available". The arginine amino acid residue is found in multiple mammalian species, suggesting that this missense change does not adversely affect protein function. These predictions have not been confirmed by published functional studies and their clinical significance is uncertain. This variant has not been reported in the literature in individuals with TMC6-related conditions. This variant is not present in population databases (ExAC no frequency). This sequence change replaces serine with arginine at codon 62 of the TMC6 protein (p.Ser62Arg). The serine residue is weakly conserved and there is a moderate physicochemical difference between serine and arginine. In summary, the available evidence is currently insufficient to determine the role of this variant in disease. Therefore, it has been classified as a Variant of Uncertain Significance.